The following is an entry in ClinVar:

NM_000081.4(LYST):c.8753G>A (p.Ser2918Asn)

Gene: LYST (lysosomal trafficking regulator; minus strand). Cytogenetic location: 1q42.3.
Variant type: single nucleotide variant.
Coding change: c.8753G>A on transcript NM_000081.4 (MANE Select); coding-DNA position 8753, G replaced by A.
Protein change: p.Ser2918Asn; replaces serine 2918 with asparagine.
Molecular consequence: missense variant.
Genome position (GRCh38, 1-based): chr1:235,733,551, C>T on the plus strand (G>A on the coding strand, the complement: LYST is on the minus strand). VCF-style: chr1-235733551-C-T. GRCh37 (hg19) VCF-style: chr1-235896851-C-T.
Other names: c.8753G>A, p.Ser2918Asn (NM_001301365.1); short protein forms S2918N.
Identifiers: ClinVar variation 3688706 (VCV003688706.2).
Genomic context (GRCh38, chr1:235,733,551, plus strand): 5'-CCCGCAGCTTACCTATCATGTGTCAGCTGCTGAATAAGTTCCTGCCAATGTCTGCTGGCA[C>T]TCAAATCTACTTTATACATTCCTCTAATATGCTGGATCACCTTTTTTCTCTCATTTCCTT-3'
Protein context (NP_000072.2, residues 2908-2928): HIRGMYKVDL[Ser2918Asn]ASRHWQELIQ

ClinVar aggregate classification (germline): Uncertain significance (1 of 4 stars; one submission).

Conditions:
Chédiak-Higashi syndrome (CHS). Also called: Chediak-Higashi Syndrome. Identifiers: Orphanet 167, MedGen C0007965, MONDO:0008963, OMIM 214500.

gnomAD v4.1: 1 of 1,613,992 alleles (0.000062%); highest among the groups gnomAD compares: Non-Finnish European, 0.000085%; no homozygotes.

Submission:

Labcorp Genetics (formerly Invitae), Labcorp
Classification: Uncertain significance for Chédiak-Higashi syndrome. Last evaluated: 2024-08-04. Review status: criteria provided, single submitter. Criteria: Invitae Variant Classification Sherloc (09022015). Collection method: clinical testing. Allele origin: germline.
Comment: This sequence change replaces serine, which is neutral and polar, with asparagine, which is neutral and polar, at codon 2918 of the LYST protein (p.Ser2918Asn). This variant is not present in population databases (gnomAD no frequency). This variant has not been reported in the literature in individuals affected with LYST-related conditions. Advanced modeling of protein sequence and biophysical properties (such as structural, functional, and spatial information, amino acid conservation, physicochemical variation, residue mobility, and thermodynamic stability) performed at Invitae indicates that this missense variant is not expected to disrupt LYST protein function with a negative predictive value of 80%. In summary, the available evidence is currently insufficient to determine the role of this variant in disease. Therefore, it has been classified as a Variant of Uncertain Significance.